The following is an entry in ClinVar:

NM_001353694.2(TIAM1):c.648G>A (p.Thr216=)

Gene: TIAM1 (TIAM Rac1 associated GEF 1; minus strand). Cytogenetic location: 21q22.11.
Variant type: single nucleotide variant.
Coding change: c.648G>A on transcript NM_001353694.2 (MANE Select); coding-DNA position 648, G replaced by A.
Protein change: p.Thr216=; no amino-acid change (threonine 216 retained).
Molecular consequence: synonymous variant.
Genome position (GRCh38, 1-based): chr21:31,266,325, C>T on the plus strand (G>A on the coding strand, the complement: TIAM1 is on the minus strand). VCF-style: chr21-31266325-C-T. GRCh37 (hg19) VCF-style: chr21-32638641-C-T.
Other names: c.648G>A, p.Thr216= (NM_001353686.2, NM_001353687.2, NM_001353688.1 and 6 more transcripts).
Identifiers: ClinVar variation 3356660 (VCV003356660.1).

ClinVar aggregate classification (germline): Likely benign (0 of 4 stars; one submission).

Conditions:
TIAM1-related disorder. Also called: TIAM1-related condition.

gnomAD v4.1: 242 of 1,614,142 alleles (0.015%); highest among the groups gnomAD compares: Non-Finnish European, 0.019%; no homozygotes.

Submission:

PreventionGenetics, part of Exact Sciences
Classification: Likely benign for TIAM1-related condition. Last evaluated: 2024-07-12. Review status: no assertion criteria provided. Collection method: clinical testing. Allele origin: germline.
Comment: This variant is classified as likely benign based on ACMG/AMP sequence variant interpretation guidelines (Richards et al. 2015 PMID: 25741868, with internal and published modifications).